The following is an entry in ClinVar:

ClinVar aggregate classification (germline): Uncertain significance (1 of 4 stars; one submission).

Submission:

GeneDx
Classification: Uncertain significance. Last evaluated: 2026-01-06. Review status: criteria provided, single submitter. Criteria: GeneDx Variant Classification Process June 2021. Collection method: clinical testing. Allele origin: germline.
Comment: Not observed at significant frequency in large population cohorts (gnomAD); In silico analysis suggests that this missense variant does not alter protein structure/function; Has not been previously published as pathogenic or benign to our knowledge

NM_000116.5(TAFAZZIN):c.393G>C (p.Glu131Asp)

Gene: TAFAZZIN (tafazzin, phospholipid-lysophospholipid transacylase; plus strand). Cytogenetic location: Xq28.
Variant type: single nucleotide variant.
Coding change: c.393G>C on transcript NM_000116.5 (MANE Select); coding-DNA position 393, G replaced by C.
Protein change: p.Glu131Asp; replaces glutamic acid 131 with aspartic acid.
Molecular consequence: missense variant. On other transcripts: intron variant (3).
Genome position (GRCh38, 1-based): chrX:154,414,123, G>C. VCF-style: chrX-154414123-G-C. GRCh37 (hg19) VCF-style: chrX-153642460-G-C.
Other names: c.447G>C, p.Glu149Asp (NM_001303465.2); c.393G>C, p.Glu131Asp (NM_181312.4); c.424+556G>C (NM_001410698.1); c.370+556G>C (NM_181311.4, NM_181313.4); short protein forms E131D, E149D.
Identifiers: ClinVar variation 3342944 (VCV003342944.2).